The following is an entry in ClinVar:

NM_001761.3(CCNF):c.742_743del (p.Arg248fs)

Gene: CCNF (cyclin F; plus strand). Cytogenetic location: 16p13.3.
Variant type: Deletion.
Coding change: c.742_743del on transcript NM_001761.3 (MANE Select); coding-DNA positions 742 to 743, 2 bases deleted (AG; older notation c.742_743delAG).
Protein change: p.Arg248fs; shifts the reading frame from arginine 248.
Molecular consequence: frameshift variant. On other transcripts: 5 prime UTR variant (1).
Genome position (GRCh38, 1-based): chr16:2,439,791-2,439,792, AG deleted. VCF-style (leftmost placement, unchanged base first): chr16-2439790-CAG-C. GRCh37 (hg19) VCF-style: chr16-2489791-CAG-C.
Other names: c.-183_-182del (NM_001323538.2); short protein forms R248fs.
Identifiers: ClinVar variation 3026850 (VCV003026850.22), dbSNP rs2505757908, ClinGen allele CA2740096855.

ClinVar aggregate classification (germline): Uncertain significance (1 of 4 stars; one submission).

Submission:

CeGaT Center for Human Genetics Tuebingen
Classification: Uncertain significance. Last evaluated: 2024-01-01. Review status: criteria provided, single submitter. Criteria: CeGaT Center For Human Genetics Tuebingen Variant Classification Criteria Version 2. Collection method: clinical testing. Allele origin: germline. Affected: yes. Observed: 1 variant allele.
Comment: CCNF: PM2